The following is an entry in ClinVar:

ClinVar aggregate classification (germline): Likely benign (0 of 4 stars; one submission).

Conditions:
TTC8-related disorder. Also called: TTC8-related condition.

gnomAD v4.1: 3 of 1,401,228 alleles (0.00021%); highest among the groups gnomAD compares: Admixed American, 0.006%; no homozygotes.

Submission:

PreventionGenetics, part of Exact Sciences
Classification: Likely benign for TTC8-related condition. Last evaluated: 2021-11-17. Review status: no assertion criteria provided. Collection method: clinical testing. Allele origin: germline.
Comment: This variant is classified as likely benign based on ACMG/AMP sequence variant interpretation guidelines (Richards et al. 2015 PMID: 25741868, with internal and published modifications).

NM_144596.4(TTC8):c.624+2831A>G

Gene: TTC8 (tetratricopeptide repeat domain 8; plus strand). Cytogenetic location: 14q31.3.
Variant type: single nucleotide variant.
Coding change: c.624+2831A>G on transcript NM_144596.4 (MANE Select); 2831 bases into the intron after coding-DNA position 624, A replaced by G.
Molecular consequence: intron variant.
Genome position (GRCh38, 1-based): chr14:88,846,681, A>G. VCF-style: chr14-88846681-A-G. GRCh37 (hg19) VCF-style: chr14-89313025-A-G.
Other names: c.30+5124A>G (NM_001288782.1); c.672+6A>G (NM_001288781.1); c.594+2831A>G (NM_198309.3, NM_001366535.2); c.-153-167A>G (NM_001288783.1); c.504+2831A>G (NM_198310.3, NM_001366536.2).
Identifiers: ClinVar variation 3351938 (VCV003351938.1).
Genomic context (GRCh38, chr14:88,846,681, plus strand): 5'-ACATCTTGGAATTTACCCATTCTTATTGAGGAATAAAAATCACATTGAAAAAAATGTAAG[A>G]TTTATTCCCTGCACTACTGCACTTAATATTCTAAAGATTCTAAGGGTTAGCCGACTGTAA-3'